The following is an entry in ClinVar:

NM_001332.4(CTNND2):c.656CGC[11] (p.Pro224_Pro226dup)

Gene: CTNND2 (catenin delta 2; minus strand). Cytogenetic location: 5p15.2.
Variant type: Microsatellite.
Coding change: c.656CGC[11] on transcript NM_001332.4 (MANE Select); 11 copies in a row of the 3-base unit CGC starting at c.656; the reference has eight copies in a row; three copies, 9 bases duplicated.
Protein change: p.Pro224_Pro226dup.
Molecular consequence: inframe insertion. On other transcripts: intron variant (3).
Genome position (GRCh38, 1-based): chr5:11,385,163-11,385,171, GCGGCGGCG duplicated on the plus strand (CGCCGCCGC on the coding strand, the reverse complement: CTNND2 is on the minus strand); duplicating any 9 consecutive bases within chr5:11,385,163-11,385,186 gives the same sequence; the position shown is the placement nearest the transcript's 3' end. VCF-style (leftmost placement, unchanged base first): chr5-11385162-C-CGCGGCGGCG. GRCh37 (hg19) VCF-style: chr5-11385274-C-CGCGGCGGCG.
Other names: c.383CGC[11], p.Pro133_Pro135dup (NM_001288715.1); c.-123+11845CGC[11] (NM_001288717.2); c.167-20296CGC[11] (NM_001364128.2, NM_001288716.1); c.671_679dupCGCCGCCGC (NM_001332.2); c.671_679dup9 (NM_001332.3).
Identifiers: ClinVar variation 1318012 (VCV001318012.12), dbSNP rs557341981, ClinGen allele CA443542027.

ClinVar aggregate classification (germline): Likely benign. Review status: criteria provided, multiple submitters, no conflicts (2 of 4 stars). 4 submissions from 4 submitters: Likely benign (3). 1 of the submissions does not count toward it. Last evaluated 2025-11-01.

Conditions:
Inborn genetic diseases. Identifiers: MedGen C0950123, MeSH D030342.
CTNND2-related disorder. Also called: CTNND2-related condition.

Submissions (4):

CeGaT Center for Human Genetics Tuebingen
Classification: Likely benign. Last evaluated: 2025-11-01. Review status: criteria provided, single submitter. Criteria: CeGaT Center For Human Genetics Tuebingen Variant Classification Criteria Version 2. Collection method: clinical testing. Allele origin: germline. Affected: yes. Observed: 1 variant allele.
Comment: CTNND2: BS1

Ambry Genetics
Classification: Likely benign for Inborn genetic diseases. Last evaluated: 2021-10-02. Review status: criteria provided, single submitter. Criteria: Ambry Variant Classification Scheme 2023. Collection method: clinical testing. Allele origin: germline.

GeneDx
Classification: Likely benign. Last evaluated: 2020-06-18. Review status: criteria provided, single submitter. Criteria: GeneDx Variant Classification Process June 2021. Collection method: clinical testing. Allele origin: germline. Affected: yes.

PreventionGenetics, part of Exact Sciences
Classification: Likely benign for CTNND2-related condition. Last evaluated: 2023-06-08. Review status: no assertion criteria provided. Collection method: clinical testing. Allele origin: germline. Not counted in ClinVar's aggregate classification.
Comment: This variant is classified as likely benign based on ACMG/AMP sequence variant interpretation guidelines (Richards et al. 2015 PMID: 25741868, with internal and published modifications).